The following is an entry in ClinVar:

NM_006940.6(SOX5):c.1613C>G (p.Ser538Ter)

Gene: SOX5 (SRY-box transcription factor 5; minus strand). Cytogenetic location: 12p12.1.
Variant type: single nucleotide variant.
Coding change: c.1613C>G on transcript NM_006940.6 (MANE Select); coding-DNA position 1613, C replaced by G.
Protein change: p.Ser538Ter; replaces serine 538 with a stop codon.
Molecular consequence: nonsense.
Genome position (GRCh38, 1-based): chr12:23,543,369, G>C on the plus strand (C>G on the coding strand, the complement: SOX5 is on the minus strand). VCF-style: chr12-23543369-G-C. GRCh37 (hg19) VCF-style: chr12-23696303-G-C.
Other names: c.1250C>G, p.Ser417Ter (NM_001261414.3); c.1583C>G, p.Ser528Ter (NM_001261415.3); c.1508C>G, p.Ser503Ter (NM_001330785.2); c.1574C>G, p.Ser525Ter (NM_152989.5); c.455C>G, p.Ser152Ter (NM_178010.4); c.1613C>G (NM_006940.4); short protein forms S417*, S503*, S525*, S538*, S152*, S528*.
Identifiers: ClinVar variation 695082 (VCV000695082.5), dbSNP rs1591909421, ClinGen allele CA384320043.

ClinVar aggregate classification (germline): Pathogenic. Review status: criteria provided, multiple submitters, no conflicts (2 of 4 stars). 3 submissions from 3 submitters: Pathogenic (2). 1 of the submissions does not count toward it. Last evaluated 2022-01-12.

Conditions:
Inborn genetic diseases. Identifiers: MedGen C0950123, MeSH D030342.
Lamb-Shaffer syndrome. Identifiers: Orphanet 313884, Orphanet 313892, Orphanet 530983, MedGen C4225202, MONDO:0014778, OMIM 616803.

Submissions (3):

Ambry Genetics
Classification: Pathogenic for Inborn genetic diseases. Last evaluated: 2022-01-12. Review status: criteria provided, single submitter. Criteria: Ambry Variant Classification Scheme 2023. Collection method: clinical testing. Allele origin: germline.
Comment: The c.1613C>G (p.S538*) alteration, located in exon 13 (coding exon 13) of the SOX5 gene, consists of a C to G substitution at nucleotide position 1613. This changes the amino acid from a serine (S) to a stop codon at amino acid position 538. This alteration is expected to result in loss of function by premature protein truncation or nonsense-mediated mRNA decay. This variant was not reported in population-based cohorts in the Genome Aggregation Database (gnomAD). This alteration has been reported in an individual with features consistent with Lamb-Shaffer syndrome including language delay, moderate intellectual disability, autistic features and seizures (Zawerton, 2020). Based on the available evidence, this alteration is classified as pathogenic.

Institute of Human Genetics, University of Leipzig Medical Center
Classification: Pathogenic for Lamb-Shaffer syndrome. Last evaluated: 2020-10-09. Review status: criteria provided, single submitter. Criteria: ACMG Guidelines, 2015. Collection method: clinical testing. Allele origin: de novo. Affected: yes.
Comment: This variant was identified as de novo (maternity and paternity confirmed).

Institute for Human Genetics, University Hospital Essen
Classification: Pathogenic for Lamb-Shaffer syndrome. Last evaluated: 2019-08-05. Review status: no assertion criteria provided. Collection method: clinical testing. Allele origin: de novo. Inheritance: Autosomal dominant inheritance. Affected: yes. Not counted in ClinVar's aggregate classification.

Literature cited by the submitters: PubMed 31578471 (cited by Ambry Genetics).